The following is an entry in ClinVar:

ClinVar aggregate classification (germline): Likely benign. Review status: criteria provided, multiple submitters, no conflicts (2 of 4 stars). 3 submissions from 3 submitters: Likely benign (3). Last evaluated 2026-08-01.

Conditions:
Inborn genetic diseases. Identifiers: MedGen C0950123, MeSH D030342.

Submissions (3):

CeGaT Center for Human Genetics Tuebingen
Classification: Likely benign. Last evaluated: 2026-08-01. Review status: criteria provided, single submitter. Criteria: CeGaT Center For Human Genetics Tuebingen Variant Classification Criteria Version 2. Collection method: clinical testing. Allele origin: germline. Affected: yes. Observed: 29 variant alleles.
Comment: SLC12A2: BS1

Labcorp Genetics (formerly Invitae), Labcorp
Classification: Likely benign. Last evaluated: 2026-01-23. Review status: criteria provided, single submitter. Criteria: Invitae Variant Classification Sherloc (09022015). Collection method: clinical testing. Allele origin: germline.

Ambry Genetics
Classification: Likely benign for Inborn genetic diseases. Last evaluated: 2022-03-04. Review status: criteria provided, single submitter. Criteria: Ambry Variant Classification Scheme 2023. Collection method: clinical testing. Allele origin: germline.

NM_001046.3(SLC12A2):c.288GGC[8] (p.Ala107dup)

Genes: SLC12A2 (solute carrier family 12 member 2; plus strand), LOC129994526 (ATAC-STARR-seq lymphoblastoid silent region 16295; plus strand). Cytogenetic location: 5q23.3.
Variant type: Microsatellite.
Coding change: c.288GGC[8] on transcript NM_001046.3 (MANE Select); eight copies in a row of the 3-base unit GGC starting at c.288; the reference has seven copies in a row; one copy, 3 bases duplicated.
Protein change: p.Ala107dup; duplicates alanine 107.
Molecular consequence: inframe insertion. On other transcripts: non-coding transcript variant (1).
Genome position (GRCh38, 1-based): chr5:128,084,260-128,084,262, GGC duplicated; duplicating any 3 consecutive bases within chr5:128,084,240-128,084,262 gives the same sequence; the position shown is the placement nearest the transcript's 3' end. VCF-style (leftmost placement, unchanged base first): chr5-128084239-T-TGCG. GRCh37 (hg19) VCF-style: chr5-127419931-T-TGCG.
Other names: c.306_308dupGGC (NM_001046.2); c.288GGC[8], p.Ala107dup (NM_001256461.2).
Identifiers: ClinVar variation 1551688 (VCV001551688.36), dbSNP rs746633185, ClinGen allele CA3392756.